The following is an entry in ClinVar:

ClinVar aggregate classification (germline): Uncertain significance (1 of 4 stars; one submission).

Conditions:
Early Myoclonic Encephalopathy. Identifiers: MedGen C0270855.

Allele frequency attached by ClinVar (database versions not stated): gnomAD 0.00001; TOPMed 0.00002.
gnomAD v4.1: 2 of 1,611,194 alleles (0.00012%); highest among the groups gnomAD compares: African/African-American, 0.0027%; no homozygotes.

Submission:

Labcorp Genetics (formerly Invitae), Labcorp
Classification: Uncertain significance for Early Myoclonic Encephalopathy. Last evaluated: 2022-08-09. Review status: criteria provided, single submitter. Criteria: Invitae Variant Classification Sherloc (09022015). Collection method: clinical testing. Allele origin: germline.
Comment: In summary, the available evidence is currently insufficient to determine the role of this variant in disease. Therefore, it has been classified as a Variant of Uncertain Significance. Algorithms developed to predict the effect of missense changes on protein structure and function (SIFT, PolyPhen-2, Align-GVGD) all suggest that this variant is likely to be tolerated. ClinVar contains an entry for this variant (Variation ID: 1008704). This variant has not been reported in the literature in individuals affected with JMJD1C-related conditions. This variant is not present in population databases (gnomAD no frequency). This sequence change replaces asparagine, which is neutral and polar, with aspartic acid, which is acidic and polar, at codon 419 of the JMJD1C protein (p.Asn419Asp).

NM_032776.3(JMJD1C):c.1255A>G (p.Asn419Asp)

Gene: JMJD1C (jumonji domain containing 1C; minus strand). Cytogenetic location: 10q21.3.
Variant type: single nucleotide variant.
Coding change: c.1255A>G on transcript NM_032776.3 (MANE Select); coding-DNA position 1255, A replaced by G.
Protein change: p.Asn419Asp; replaces asparagine 419 with aspartic acid.
Molecular consequence: missense variant. On other transcripts: non-coding transcript variant (1).
Genome position (GRCh38, 1-based): chr10:63,214,912, T>C on the plus strand (A>G on the coding strand, the complement: JMJD1C is on the minus strand). VCF-style: chr10-63214912-T-C. GRCh37 (hg19) VCF-style: chr10-64974672-T-C.
Other names: c.709A>G, p.Asn237Asp (NM_001282948.2, NM_001318154.2); c.391A>G, p.Asn131Asp (NM_001318153.2); c.1141A>G, p.Asn381Asp (NM_001322252.2); c.598A>G, p.Asn200Asp (NM_001322254.2, NM_001322258.2); short protein forms N131D, N200D, N237D, N381D, N419D.
Identifiers: ClinVar variation 1008704 (VCV001008704.8), dbSNP rs1394505290, ClinGen allele CA377050201.